The following is an entry in ClinVar:

ClinVar aggregate classification (germline): Conflicting classifications of pathogenicity. Review status: criteria provided, conflicting classifications (1 of 4 stars). 2 submissions from 2 submitters: Uncertain significance (1); Likely benign (1). Last evaluated 2024-10-17.

Conditions:
Inborn genetic diseases. Identifiers: MedGen C0950123, MeSH D030342.

Allele frequency attached by ClinVar (database versions not stated): gnomAD exomes 0.00001; ExAC 0.00004; gnomAD 0.00007; ESP Exome Variant Server 0.00008; TOPMed 0.00014; 1000 Genomes Project 30x 0.00016; 1000 Genomes Project 0.00020.
gnomAD v4.1: 23 of 1,614,116 alleles (0.0014%); highest among the groups gnomAD compares: African/African-American, 0.023%; no homozygotes.

Submissions (2):

Labcorp Genetics (formerly Invitae), Labcorp
Classification: Uncertain significance. Last evaluated: 2024-10-17. Review status: criteria provided, single submitter. Criteria: Invitae Variant Classification Sherloc (09022015). Collection method: clinical testing. Allele origin: germline.
Comment: This sequence change replaces histidine, which is basic and polar, with asparagine, which is neutral and polar, at codon 2189 of the MACF1 protein (p.His2189Asn). This variant is present in population databases (rs146231118, gnomAD 0.03%). This variant has not been reported in the literature in individuals affected with MACF1-related conditions. ClinVar contains an entry for this variant (Variation ID: 2290570). An algorithm developed to predict the effect of missense changes on protein structure and function (PolyPhen-2) suggests that this variant is likely to be tolerated. In summary, the available evidence is currently insufficient to determine the role of this variant in disease. Therefore, it has been classified as a Variant of Uncertain Significance.

Ambry Genetics
Classification: Likely benign for Inborn genetic diseases. Last evaluated: 2022-05-25. Review status: criteria provided, single submitter. Criteria: Ambry Variant Classification Scheme 2023. Collection method: clinical testing. Allele origin: germline.

NM_001394062.1(MACF1):c.12751C>A (p.His4251Asn)

Gene: MACF1 (microtubule actin crosslinking factor 1; plus strand). Cytogenetic location: 1p34.3.
Variant type: single nucleotide variant.
Coding change: c.12751C>A on transcript NM_001394062.1 (MANE Select); coding-DNA position 12751, C replaced by A.
Protein change: p.His4251Asn; replaces histidine 4251 with asparagine.
Molecular consequence: missense variant.
Genome position (GRCh38, 1-based): chr1:39,361,657, C>A. VCF-style: chr1-39361657-C-A. GRCh37 (hg19) VCF-style: chr1-39827329-C-A.
Other names: c.6565C>A, p.His2189Asn (NM_012090.5); short protein forms H4251N, H2189N.
Identifiers: ClinVar variation 2290570 (VCV002290570.4), dbSNP rs146231118, ClinGen allele CA781868.